The following is an entry in ClinVar:

NM_001035.3(RYR2):c.826A>G (p.Arg276Gly)

Gene: RYR2 (ryanodine receptor 2; plus strand). Cytogenetic location: 1q43.
Variant type: single nucleotide variant.
Coding change: c.826A>G on transcript NM_001035.3 (MANE Select); coding-DNA position 826, A replaced by G.
Protein change: p.Arg276Gly; replaces arginine 276 with glycine.
Molecular consequence: missense variant.
Genome position (GRCh38, 1-based): chr1:237,417,101, A>G. VCF-style: chr1-237417101-A-G. GRCh37 (hg19) VCF-style: chr1-237580401-A-G.
Other names: c.826A>G (NM_001035.2); short protein forms R276G.
Identifiers: ClinVar variation 4759080 (VCV004759080.2).

ClinVar aggregate classification (germline): Uncertain significance. Review status: criteria provided, multiple submitters, no conflicts (2 of 4 stars). 2 submissions from 2 submitters: Uncertain significance (2). Last evaluated 2026-07-07.

Conditions:
Cardiomyopathy (CMYO). Also called: Cardiomyopathies. Identifiers: Orphanet 167848, MedGen C0878544, MONDO:0004994, HP:0001638. Inheritance: Various modes of inheritance.
Cardiovascular phenotype. Identifiers: MedGen CN230736.

Submissions (2):

Ambry Genetics
Classification: Uncertain significance for Cardiovascular phenotype. Last evaluated: 2026-07-07. Review status: criteria provided, single submitter. Criteria: Ambry Variant Classification Scheme 2023. Collection method: clinical testing. Allele origin: germline.
Comment: The p.R276G variant (also known as c.826A>G), located in coding exon 11 of the RYR2 gene, results from an A to G substitution at nucleotide position 826. The arginine at codon 276 is replaced by glycine, an amino acid with dissimilar properties. This amino acid position is conserved. In addition, this alteration is predicted to be deleterious by in silico analysis. Based on the available evidence, the clinical significance of this variant remains unclear.

Color Diagnostics, LLC DBA Color Health
Classification: Uncertain significance for Cardiomyopathy. Last evaluated: 2025-07-20. Review status: criteria provided, single submitter. Criteria: ACMG Guidelines, 2015. Collection method: clinical testing. Allele origin: germline.
Comment: This missense variant replaces arginine with glycine at codon 276 of the RYR2 protein. Computational prediction suggests that this variant may have deleterious impact on protein structure and function. To our knowledge, functional studies have not been reported for this variant. This variant has not been reported in individuals affected with RYR2-related disorders in the literature. This variant has not been identified in the general population by the Genome Aggregation Database (gnomAD). The available evidence is insufficient to determine the role of this variant in disease conclusively. Therefore, this variant is classified as a Variant of Uncertain Significance.